The following is an entry in ClinVar:

ClinVar aggregate classification (germline): Pathogenic. Review status: criteria provided, multiple submitters, no conflicts (2 of 4 stars). 2 submissions from 2 submitters: Pathogenic (2). Last evaluated 2026-04-14.

Conditions:
Familial intrahepatic cholestasis. Identifiers: Orphanet 284385, MedGen CN296401, MONDO:0017290.

Submissions (2):

Genomenon, Inc
Classification: Pathogenic for Familial intrahepatic cholestasis. Last evaluated: 2026-04-14. Review status: criteria provided, single submitter. Criteria: Genomenon Sequence Variant Interpretation Standards - Updated. Collection method: curation. Allele origin: germline. Affected: yes.
Comment: ABCB11 p.Trp60Ter (c.179G>A) is a nonsense variant that introduces a premature stop codon at amino acid position 60, creating a truncated protein that is predicted to undergo nonsense-mediated mRNA decay. This variant has been observed in at least one proband with an ABCB11-related disorder (PMID:37471416). It is absent or not present at a significant frequency in gnomAD. In conclusion, we classify ABCB11 p.Trp60Ter (c.179G>A) as a pathogenic variant.

Labcorp Genetics (formerly Invitae), Labcorp
Classification: Pathogenic. Last evaluated: 2023-11-28. Review status: criteria provided, single submitter. Criteria: Invitae Variant Classification Sherloc (09022015). Collection method: clinical testing. Allele origin: germline.
Comment: This sequence change creates a premature translational stop signal (p.Trp60*) in the ABCB11 gene. It is expected to result in an absent or disrupted protein product. Loss-of-function variants in ABCB11 are known to be pathogenic (PMID: 18395098, 20232290). This variant is not present in population databases (gnomAD no frequency). This premature translational stop signal has been observed in individual(s) with progressive familial intrahepatic cholestasis (PMID: 21404481). Algorithms developed to predict the effect of sequence changes on RNA splicing suggest that this variant may disrupt the consensus splice site. For these reasons, this variant has been classified as Pathogenic.

Literature cited by the submitters: PubMed 37471416 (cited by Genomenon, Inc); PubMed 18395098 (cited by Labcorp Genetics (formerly Invitae), Labcorp); PubMed 20232290 (cited by Labcorp Genetics (formerly Invitae), Labcorp); PubMed 21404481 (cited by Labcorp Genetics (formerly Invitae), Labcorp).

NM_003742.4(ABCB11):c.179G>A (p.Trp60Ter)

Gene: ABCB11 (ATP binding cassette subfamily B member 11; minus strand). Cytogenetic location: 2q31.1.
Variant type: single nucleotide variant.
Coding change: c.179G>A on transcript NM_003742.4 (MANE Select); coding-DNA position 179, G replaced by A.
Protein change: p.Trp60Ter; replaces tryptophan 60 with a stop codon.
Molecular consequence: nonsense.
Genome position (GRCh38, 1-based): chr2:169,013,482, C>T on the plus strand (G>A on the coding strand, the complement: ABCB11 is on the minus strand). VCF-style: chr2-169013482-C-T. GRCh37 (hg19) VCF-style: chr2-169869992-C-T.
Other names: short protein forms W60*.
Identifiers: ClinVar variation 2734332 (VCV002734332.4), dbSNP rs2545485149, ClinGen allele CA349105768.
Genomic context (GRCh38, chr2:169,013,482, plus strand): 5'-AGCACGCCTGGCTGGGCTATTCCATGGAGAAATGCACACAAACTTCCCACAAACATCAGC[C>T]AAATGTCAGTTGATGAAGAAAACCGAAACTTGAAAAACAAAGGGTTCAGAGATCATCTAT-3'